The following is an entry in ClinVar:

NM_152468.5(TMC8):c.1835C>T (p.Thr612Met)

Gene: TMC8 (transmembrane channel like 8; plus strand). Cytogenetic location: 17q25.3.
Variant type: single nucleotide variant.
Coding change: c.1835C>T on transcript NM_152468.5 (MANE Select); coding-DNA position 1835, C replaced by T.
Protein change: p.Thr612Met; replaces threonine 612 with methionine.
Molecular consequence: missense variant.
Genome position (GRCh38, 1-based): chr17:78,139,173, C>T. VCF-style: chr17-78139173-C-T. GRCh37 (hg19) VCF-style: chr17-76135254-C-T.
Other names: short protein forms T612M.
Identifiers: ClinVar variation 570404 (VCV000570404.8), dbSNP rs201296911, ClinGen allele CA8797061.

ClinVar aggregate classification (germline): Uncertain significance. Review status: criteria provided, multiple submitters, no conflicts (2 of 4 stars). 2 submissions from 2 submitters: Uncertain significance (2). Last evaluated 2022-08-05.

Conditions:
Epidermodysplasia verruciformis. Identifiers: Orphanet 302, MedGen C0014522, MONDO:0009176.

Allele frequency attached by ClinVar (database versions not stated): gnomAD exomes 0.00002 and 0.00010; gnomAD 0.00004 and 0.00006; TOPMed 0.00006; ExAC 0.00007; ESP Exome Variant Server 0.00008; 1000 Genomes Project 0.00020; 1000 Genomes Project 30x 0.00031.
gnomAD v4.1: 33 of 1,613,704 alleles (0.002%); highest among the groups gnomAD compares: Admixed American, 0.032%; no homozygotes.

Submissions (2):

Labcorp Genetics (formerly Invitae), Labcorp
Classification: Uncertain significance for Epidermodysplasia verruciformis. Last evaluated: 2022-08-05. Review status: criteria provided, single submitter. Criteria: Invitae Variant Classification Sherloc (09022015). Collection method: clinical testing. Allele origin: germline.
Comment: This sequence change replaces threonine, which is neutral and polar, with methionine, which is neutral and non-polar, at codon 612 of the TMC8 protein (p.Thr612Met). This variant is present in population databases (rs201296911, gnomAD 0.05%). This variant has not been reported in the literature in individuals affected with TMC8-related conditions. ClinVar contains an entry for this variant (Variation ID: 570404). Algorithms developed to predict the effect of missense changes on protein structure and function are either unavailable or do not agree on the potential impact of this missense change (SIFT: "Tolerated"; PolyPhen-2: "Probably Damaging"; Align-GVGD: "Class C0"). In summary, the available evidence is currently insufficient to determine the role of this variant in disease. Therefore, it has been classified as a Variant of Uncertain Significance.

Breakthrough Genomics
Classification: Uncertain significance. Review status: criteria provided, single submitter. Criteria: ACMG Guidelines, 2015. Collection method: not provided. Allele origin: germline. Inheritance: Autosomal recessive inheritance. Affected: yes.